The following is an entry in ClinVar:

NM_024675.4(PALB2):c.1202_1203insT (p.Leu402fs)

Gene: PALB2 (partner and localizer of BRCA2; minus strand). Cytogenetic location: 16p12.2.
Variant type: Insertion.
Coding change: c.1202_1203insT on transcript NM_024675.4 (MANE Select); coding-DNA positions 1202 to 1203, T inserted.
Protein change: p.Leu402fs; shifts the reading frame from leucine 402.
Molecular consequence: frameshift variant. On other transcripts: intron variant (3).
Genome position: GRCh38 VCF-style: chr16-23635343-G-GA. GRCh37 (hg19) VCF-style: chr16-23646664-G-GA.
Other names: c.1202_1203insT, p.Leu402fs (NM_001407298.1, NM_001407299.1, NM_001407297.1 and 3 more transcripts); c.1142_1143insT, p.Leu382fs (NM_001407296.1); c.317_318insT, p.Leu107fs (NM_001407304.1, NM_001407305.1, NM_001407306.1 and 5 more transcripts); c.48+5766_48+5767insT (NM_001407314.1); c.-104-4875_-104-4874insT (NM_001407313.1, NM_001407312.1); short protein forms L107fs, L382fs, L402fs.
Identifiers: ClinVar variation 2674143 (VCV002674143.1), dbSNP rs2506485498, ClinGen allele CA2695197497.

ClinVar aggregate classification (germline): Pathogenic (1 of 4 stars; one submission).

Conditions:
Familial cancer of breast. Also called: Hereditary breast cancer; BREAST CANCER, FAMILIAL; hereditary breast carcinoma. Identifiers: Orphanet 227535, MedGen C0346153, MONDO:0016419, OMIM 114480. Disease mechanism: loss of function.

Submission:

Myriad Genetics, Inc.
Classification: Pathogenic for Familial cancer of breast. Last evaluated: 2023-09-08. Review status: criteria provided, single submitter. Criteria: Myriad Autosomal Dominant, Autosomal Recessive and X-Linked Classification Criteria (2023). Collection method: clinical testing. Allele origin: unknown.
Comment: This variant is considered pathogenic. This variant creates a frameshift predicted to result in premature protein truncation.